The following is an entry in ClinVar:

NM_003072.5(SMARCA4):c.2389A>G (p.Met797Val)

Gene: SMARCA4 (SWI/SNF related BAF chromatin remodeling complex subunit ATPase 4; plus strand). Cytogenetic location: 19p13.2.
Variant type: single nucleotide variant.
Coding change: c.2389A>G on transcript NM_003072.5 (MANE Select); coding-DNA position 2389, A replaced by G.
Protein change: p.Met797Val; replaces methionine 797 with valine.
Molecular consequence: missense variant. On other transcripts: non-coding transcript variant (1).
Genome position (GRCh38, 1-based): chr19:11,013,063, A>G. VCF-style: chr19-11013063-A-G. GRCh37 (hg19) VCF-style: chr19-11123739-A-G.
Other names: c.2389A>G, p.Met797Val (NM_001128846.2, NM_001128847.4, NM_001128848.2 and 6 more transcripts); short protein forms M797V.
Identifiers: ClinVar variation 4840119 (VCV004840119.1).

ClinVar aggregate classification (germline): Uncertain significance (1 of 4 stars; one submission).

Conditions:
Hereditary cancer-predisposing syndrome. Also called: Neoplastic Syndromes, Hereditary; Tumor predisposition; Hereditary Cancer Syndrome; Hereditary neoplastic syndrome. Identifiers: Orphanet 140162, MedGen C0027672, MeSH D009386, MONDO:0015356.

Submission:

Ambry Genetics
Classification: Uncertain significance for Hereditary cancer-predisposing syndrome. Last evaluated: 2026-01-14. Review status: criteria provided, single submitter. Criteria: Ambry Variant Classification Scheme 2023. Collection method: clinical testing. Allele origin: germline.
Comment: The p.M797V variant (also known as c.2389A>G), located in coding exon 15 of the SMARCA4 gene, results from an A to G substitution at nucleotide position 2389. The methionine at codon 797 is replaced by valine, an amino acid with highly similar properties. This amino acid position is conserved. In addition, this alteration is predicted to be deleterious by in silico analysis. Based on the available evidence, the clinical significance of this variant remains unclear.